The following is an entry in ClinVar:

NM_020297.4(ABCC9):c.2154C>T (p.Ile718=)

Gene: ABCC9 (ATP binding cassette subfamily C member 9; minus strand). Cytogenetic location: 12p12.1.
Variant type: single nucleotide variant.
Coding change: c.2154C>T on transcript NM_020297.4 (MANE Select); coding-DNA position 2154, C replaced by T.
Protein change: p.Ile718=; no amino-acid change (isoleucine 718 retained).
Molecular consequence: synonymous variant.
Genome position (GRCh38, 1-based): chr12:21,872,669, G>A on the plus strand (C>T on the coding strand, the complement: ABCC9 is on the minus strand). VCF-style: chr12-21872669-G-A. GRCh37 (hg19) VCF-style: chr12-22025603-G-A.
Other names: p.Ile718=; c.2154C>T, p.Ile718= (NM_001377273.1, NM_005691.4); c.1290C>T, p.Ile430= (NM_001377274.1).
Identifiers: ClinVar variation 45401 (VCV000045401.18), dbSNP rs74067815, ClinGen allele CA136261.

ClinVar aggregate classification (germline): Benign/Likely benign. Review status: criteria provided, multiple submitters, no conflicts (2 of 4 stars). 6 submissions from 6 submitters: Benign (1); Likely benign (5). Last evaluated 2025-12-08.

Conditions:
Cardiovascular phenotype. Identifiers: MedGen CN230736.
Dilated cardiomyopathy 1O (CMD1O). Also called: CARDIOMYOPATHY, DILATED, WITH VENTRICULAR TACHYCARDIA. Identifiers: Orphanet 154, MedGen C1837839, MONDO:0012062, OMIM 608569.

Allele frequency attached by ClinVar (database versions not stated): gnomAD exomes 0.00003 and 0.00006; ExAC 0.00007; 1000 Genomes Project 30x 0.00016; 1000 Genomes Project 0.00020; ESP Exome Variant Server 0.00023; gnomAD 0.00027 and 0.00031; TOPMed 0.00040.
gnomAD v4.1: 80 of 1,613,846 alleles (0.005%); highest among the groups gnomAD compares: African/African-American, 0.1%; no homozygotes.

Submissions (6):

Labcorp Genetics (formerly Invitae), Labcorp
Classification: Likely benign for Dilated cardiomyopathy 1O. Last evaluated: 2025-12-08. Review status: criteria provided, single submitter. Criteria: Invitae Variant Classification Sherloc (09022015). Collection method: clinical testing. Allele origin: germline.

Mayo Clinic Laboratories, Mayo Clinic
Classification: Likely benign. Last evaluated: 2025-03-10. Review status: criteria provided, single submitter. Criteria: ACMG Guidelines, 2015. Collection method: clinical testing. Allele origin: germline. Observed: 1 variant allele.
Comment: BP4, BP7

Women's Health and Genetics/Laboratory Corporation of America, LabCorp
Classification: Benign. Last evaluated: 2022-03-19. Review status: criteria provided, single submitter. Criteria: LabCorp Variant Classification Summary - May 2015. Collection method: clinical testing. Allele origin: germline.

Ambry Genetics
Classification: Likely benign for Cardiovascular phenotype. Last evaluated: 2019-03-04. Review status: criteria provided, single submitter. Criteria: Ambry Variant Classification Scheme 2023. Collection method: clinical testing. Allele origin: germline.

GeneDx
Classification: Likely benign. Last evaluated: 2017-11-08. Review status: criteria provided, single submitter. Criteria: GeneDx Variant Classification (06012015). Collection method: clinical testing. Allele origin: germline. Affected: yes.
Comment: This variant is considered likely benign or benign based on one or more of the following criteria: it is a conservative change, it occurs at a poorly conserved position in the protein, it is predicted to be benign by multiple in silico algorithms, and/or has population frequency not consistent with disease.

Laboratory for Molecular Medicine, Mass General Brigham Personalized Medicine
Classification: Likely benign. Last evaluated: 2012-03-19. Review status: criteria provided, single submitter. Criteria: LMM Criteria. Collection method: clinical testing. Allele origin: germline. Observed: 1 variant allele.
Comment: Ile718Ile in exon 16 of ABCC9: This variant is not expected to have clinical sig nificance because it does not alter an amino acid residue, is not located within the splice consensus sequence. It has been identified in 0.1% (3/3738) of Afric an American chromosomes from a broad population by the NHLBI Exome Sequencing Pr oject (dbSNP rs74067815). Ile718Ile in exon 1 6 of ABCC9 (rs74067815; allele frequency=0.1%, 3/3738) **